The following is an entry in ClinVar:

ClinVar aggregate classification (germline): Likely benign. Review status: criteria provided, multiple submitters, no conflicts (2 of 4 stars). 4 submissions from 4 submitters: Likely benign (4). Last evaluated 2025-09-25.

Conditions:
Mitochondrial complex IV deficiency, nuclear type 8. Also called: Mitochondrial complex 4 deficiency, nuclear type 8. Identifiers: MedGen C5436689, MONDO:0033638, OMIM 619052.

Allele frequency attached by ClinVar (database versions not stated): ExAC 0.00003; TOPMed 0.00004; gnomAD 0.00006; gnomAD exomes 0.00003.

Submissions (4):

Mayo Clinic Laboratories, Mayo Clinic
Classification: Likely benign. Last evaluated: 2025-09-25. Review status: criteria provided, single submitter. Criteria: ACMG Guidelines, 2015. Collection method: clinical testing. Allele origin: germline. Observed: 1 variant allele.
Comment: BP4, BP7

Labcorp Genetics (formerly Invitae), Labcorp
Classification: Likely benign. Last evaluated: 2024-10-17. Review status: criteria provided, single submitter. Criteria: Invitae Variant Classification Sherloc (09022015). Collection method: clinical testing. Allele origin: germline.

Fulgent Genetics
Classification: Likely benign for Mitochondrial complex IV deficiency, nuclear type 8. Last evaluated: 2021-09-30. Review status: criteria provided, single submitter. Criteria: ACMG Guidelines, 2015. Collection method: clinical testing. Allele origin: unknown.

GeneDx
Classification: Likely benign. Last evaluated: 2016-09-30. Review status: criteria provided, single submitter. Criteria: GeneDx Variant Classification (06012015). Collection method: clinical testing. Allele origin: germline. Affected: yes.
Comment: This variant is considered likely benign or benign based on one or more of the following criteria: it is a conservative change, it occurs at a poorly conserved position in the protein, it is predicted to be benign by multiple in silico algorithms, and/or has population frequency not consistent with disease.

NM_016360.4(TACO1):c.819G>A (p.Leu273=)

Gene: TACO1 (translational activator of cytochrome c oxidase I; plus strand). Cytogenetic location: 17q23.3.
Variant type: single nucleotide variant.
Coding change: c.819G>A on transcript NM_016360.4 (MANE Select); coding-DNA position 819, G replaced by A.
Protein change: p.Leu273=; no amino-acid change (leucine 273 retained).
Molecular consequence: synonymous variant.
Genome position (GRCh38, 1-based): chr17:63,607,927, G>A. VCF-style: chr17-63607927-G-A. GRCh37 (hg19) VCF-style: chr17-61685287-G-A.
Other names: p.Leu273=.
Identifiers: ClinVar variation 389411 (VCV000389411.11), dbSNP rs776813717, ClinGen allele CA8702238.